The following is an entry in ClinVar:

NM_013308.4(GPR171):c.837C>T (p.Cys279=)

Genes: GPR171 (G protein-coupled receptor 171; minus strand), MED12L (mediator complex subunit 12L; plus strand). Cytogenetic location: 3q25.1.
Variant type: single nucleotide variant.
Coding change: c.837C>T on transcript NM_013308.4 (MANE Select); coding-DNA position 837, C replaced by T.
Protein change: p.Cys279=; no amino-acid change (cysteine 279 retained).
Molecular consequence: synonymous variant. On other transcripts: intron variant (2).
Genome position (GRCh38, 1-based): chr3:151,198,550, G>A on the plus strand (C>T on the coding strand, the complement: GPR171 is on the minus strand). VCF-style: chr3-151198550-G-A. GRCh37 (hg19) VCF-style: chr3-150916337-G-A.
Other names: c.2250+4884G>A (NM_001393769.1); c.2145+4884G>A (NM_053002.6).
Identifiers: ClinVar variation 4822290 (VCV004822290.4).

ClinVar aggregate classification (germline): Likely benign (1 of 4 stars; one submission).

gnomAD v4.1: 3 of 1,614,060 alleles (0.00019%); highest among the groups gnomAD compares: Admixed American, 0.0017%; no homozygotes.

Submission:

CeGaT Center for Human Genetics Tuebingen
Classification: Likely benign. Last evaluated: 2026-02-01. Review status: criteria provided, single submitter. Criteria: CeGaT Center For Human Genetics Tuebingen Variant Classification Criteria Version 2. Collection method: clinical testing. Allele origin: germline. Affected: yes. Observed: 1 variant allele.
Comment: GPR171: BP4, BP7